The following is an entry in ClinVar:

ClinVar aggregate classification (germline): Uncertain significance (1 of 4 stars; one submission).

Allele frequency attached by ClinVar (database versions not stated): gnomAD exomes below 0.00001.
gnomAD v4.1: 1 of 1,614,162 alleles (0.000062%); highest among the groups gnomAD compares: Non-Finnish European, 0.000085%; no homozygotes.

Submission:

Labcorp Genetics (formerly Invitae), Labcorp
Classification: Uncertain significance. Last evaluated: 2021-07-26. Review status: criteria provided, single submitter. Criteria: Invitae Variant Classification Sherloc (09022015). Collection method: clinical testing. Allele origin: germline.
Comment: This sequence change replaces leucine with phenylalanine at codon 4432 of the LRP2 protein (p.Leu4432Phe). The leucine residue is weakly conserved and there is a small physicochemical difference between leucine and phenylalanine. This variant is not present in population databases (ExAC no frequency). This variant has not been reported in the literature in individuals affected with LRP2-related conditions. Advanced modeling of protein sequence and biophysical properties (such as structural, functional, and spatial information, amino acid conservation, physicochemical variation, residue mobility, and thermodynamic stability) performed at Invitae indicates that this missense variant is not expected to disrupt LRP2 protein function. In summary, the available evidence is currently insufficient to determine the role of this variant in disease. Therefore, it has been classified as a Variant of Uncertain Significance.

NM_004525.3(LRP2):c.13294C>T (p.Leu4432Phe)

Gene: LRP2 (LDL receptor related protein 2; minus strand). Cytogenetic location: 2q31.1.
Variant type: single nucleotide variant.
Coding change: c.13294C>T on transcript NM_004525.3 (MANE Select); coding-DNA position 13294, C replaced by T.
Protein change: p.Leu4432Phe; replaces leucine 4432 with phenylalanine.
Molecular consequence: missense variant.
Genome position (GRCh38, 1-based): chr2:169,139,345, G>A on the plus strand (C>T on the coding strand, the complement: LRP2 is on the minus strand). VCF-style: chr2-169139345-G-A. GRCh37 (hg19) VCF-style: chr2-169995855-G-A.
Other names: short protein forms L4432F.
Identifiers: ClinVar variation 1366905 (VCV001366905.3), dbSNP rs2105337763, ClinGen allele CA349155838.
Genomic context (GRCh38, chr2:169,139,345, plus strand): 5'-CGGTCCTTCTATAGTGGAAGAATCCTGCAATTGCCAGAGCTCCAATTACGACGATCAAGA[G>A]GATTGTCAACAGCACAGCTACTGCGGCTATAGAAGAAGATAGCAGAGAGCACATCAACAC-3'
Protein context (NP_004516.2, residues 4422-4442): TTAVAVLLTI[Leu4432Phe]LIVVIGALAI